The following is an entry in ClinVar:

ClinVar aggregate classification (germline): Likely benign (1 of 4 stars; one submission).

Submission:

GeneDx
Classification: Likely benign. Last evaluated: 2018-01-30. Review status: criteria provided, single submitter. Criteria: GeneDx Variant Classification (06012015). Collection method: clinical testing. Allele origin: germline. Affected: yes.
Comment: This variant is considered likely benign or benign based on one or more of the following criteria: it is a conservative change, it occurs at a poorly conserved position in the protein, it is predicted to be benign by multiple in silico algorithms, and/or has population frequency not consistent with disease.

NM_004408.4(DNM1):c.1893+16A>C

Gene: DNM1 (dynamin 1; plus strand). Cytogenetic location: 9q34.11.
Variant type: single nucleotide variant.
Coding change: c.1893+16A>C on transcript NM_004408.4 (MANE Select); 16 bases into the intron after coding-DNA position 1893, A replaced by C.
Molecular consequence: intron variant.
Genome position (GRCh38, 1-based): chr9:128,247,502, A>C. VCF-style: chr9-128247502-A-C. GRCh37 (hg19) VCF-style: chr9-131009781-A-C.
Other names: c.1893+16A>C (NM_001005336.3, NM_001288738.2, NM_001288737.2 and 1 more transcripts).
Identifiers: ClinVar variation 390782 (VCV000390782.1), dbSNP rs774161718, ClinGen allele CA16605493.